The following is an entry in ClinVar:

ClinVar aggregate classification (germline): Uncertain significance. Review status: criteria provided, multiple submitters, no conflicts (2 of 4 stars). 3 submissions from 3 submitters: Uncertain significance (3). Last evaluated 2024-02-12.

Conditions:
ROBO2-related disorder. Also called: ROBO2-related condition.
Inborn genetic diseases. Identifiers: MedGen C0950123, MeSH D030342.
Vesicoureteral reflux 2 (VUR2). Identifiers: Orphanet 289365, MedGen C1970483, MONDO:0012573, OMIM 610878.

Allele frequency attached by ClinVar (database versions not stated): gnomAD exomes 0.00001; TOPMed 0.00002.
gnomAD v4.1: 15 of 1,614,114 alleles (0.00093%); highest among the groups gnomAD compares: Admixed American, 0.0017%; no homozygotes.

Submissions (3):

Fulgent Genetics
Classification: Uncertain significance for Vesicoureteral reflux 2. Last evaluated: 2024-02-12. Review status: criteria provided, single submitter. Criteria: ACMG Guidelines, 2015. Collection method: clinical testing. Allele origin: germline.

PreventionGenetics, part of Exact Sciences
Classification: Uncertain significance for ROBO2-related condition. Last evaluated: 2023-06-19. Review status: criteria provided, single submitter. Criteria: ACMG Guidelines, 2015. Collection method: clinical testing. Allele origin: germline.
Comment: The ROBO2 c.3466T>A variant is predicted to result in the amino acid substitution p.Ser1156Thr. To our knowledge, this variant has not been reported in the literature. This variant is reported in 0.0029% of alleles in individuals of Latino descent in gnomAD. At this time, the clinical significance of this variant is uncertain due to the absence of conclusive functional and genetic evidence.

Ambry Genetics
Classification: Uncertain significance for Inborn genetic diseases. Last evaluated: 2021-07-09. Review status: criteria provided, single submitter. Criteria: Ambry Variant Classification Scheme 2023. Collection method: clinical testing. Allele origin: germline.

NM_001395656.1(ROBO2):c.3430T>A (p.Ser1144Thr)

Gene: ROBO2 (roundabout guidance receptor 2; plus strand). Cytogenetic location: 3p12.3.
Variant type: single nucleotide variant.
Coding change: c.3430T>A on transcript NM_001395656.1 (MANE Select); coding-DNA position 3430, T replaced by A.
Protein change: p.Ser1144Thr; replaces serine 1144 with threonine.
Molecular consequence: missense variant.
Genome position (GRCh38, 1-based): chr3:77,617,637, T>A. VCF-style: chr3-77617637-T-A. GRCh37 (hg19) VCF-style: chr3-77666788-T-A.
Other names: c.3466T>A, p.Ser1156Thr (NM_001128929.3); c.3430T>A, p.Ser1144Thr (NM_001290039.2, NM_001290040.2); c.1639T>A, p.Ser547Thr (NM_001290065.2); c.3478T>A, p.Ser1160Thr (NM_001378190.1, NM_001378200.1, NM_001378201.1 and 1 more transcripts); c.3604T>A, p.Ser1202Thr (NM_001378191.1, NM_001378195.1, NM_001378196.1); c.3499T>A, p.Ser1167Thr (NM_001378192.1, NM_001378198.1, NM_001378199.1); c.3418T>A, p.Ser1140Thr (NM_001378193.1, NM_002942.5); c.3616T>A, p.Ser1206Thr (NM_001378194.1); and 5 more; short protein forms S1140T, S1160T, S1209T, S547T, S1144T, S1156T, S1163T, S1167T.
Identifiers: ClinVar variation 2358019 (VCV002358019.4), dbSNP rs1316081689, ClinGen allele CA353531576.